The following is an entry in ClinVar:

NM_017763.6(RNF43):c.1723G>C (p.Val575Leu)

Gene: RNF43 (ring finger protein 43; minus strand). Cytogenetic location: 17q22.
Variant type: single nucleotide variant.
Coding change: c.1723G>C on transcript NM_017763.6 (MANE Select); coding-DNA position 1723, G replaced by C.
Protein change: p.Val575Leu; replaces valine 575 with leucine.
Molecular consequence: missense variant.
Genome position (GRCh38, 1-based): chr17:58,358,053, C>G on the plus strand (G>C on the coding strand, the complement: RNF43 is on the minus strand). VCF-style: chr17-58358053-C-G. GRCh37 (hg19) VCF-style: chr17-56435414-C-G.
Other names: c.1723G>C, p.Val575Leu (NM_001305544.3); c.1342G>C, p.Val448Leu (NM_001305545.2); short protein forms V575L, V448L.
Identifiers: ClinVar variation 2792999 (VCV002792999.3), dbSNP rs2143402227, ClinGen allele CA400387706.

ClinVar aggregate classification (germline): Uncertain significance (1 of 4 stars; one submission).

Submission:

Labcorp Genetics (formerly Invitae), Labcorp
Classification: Uncertain significance. Last evaluated: 2023-08-07. Review status: criteria provided, single submitter. Criteria: Invitae Variant Classification Sherloc (09022015). Collection method: clinical testing. Allele origin: germline.
Comment: This sequence change replaces valine, which is neutral and non-polar, with leucine, which is neutral and non-polar, at codon 575 of the RNF43 protein (p.Val575Leu). This variant is not present in population databases (gnomAD no frequency). This variant has not been reported in the literature in individuals affected with RNF43-related conditions. Algorithms developed to predict the effect of missense changes on protein structure and function output the following: SIFT: "Not Available"; PolyPhen-2: "Benign"; Align-GVGD: "Not Available". The leucine amino acid residue is found in multiple mammalian species, which suggests that this missense change does not adversely affect protein function. In summary, the available evidence is currently insufficient to determine the role of this variant in disease. Therefore, it has been classified as a Variant of Uncertain Significance.